The following is an entry in ClinVar:

ClinVar aggregate classification (germline): Uncertain significance (1 of 4 stars; one submission).

Allele frequency attached by ClinVar (database versions not stated): gnomAD 0.00001.

Submission:

Labcorp Genetics (formerly Invitae), Labcorp
Classification: Uncertain significance. Last evaluated: 2022-02-20. Review status: criteria provided, single submitter. Criteria: Invitae Variant Classification Sherloc (09022015). Collection method: clinical testing. Allele origin: germline.
Comment: This sequence change replaces proline, which is neutral and non-polar, with arginine, which is basic and polar, at codon 603 of the HPS6 protein (p.Pro603Arg). This variant is present in population databases (no rsID available, gnomAD 0.01%). This variant has not been reported in the literature in individuals affected with HPS6-related conditions. Algorithms developed to predict the effect of missense changes on protein structure and function (SIFT, PolyPhen-2, Align-GVGD) all suggest that this variant is likely to be disruptive. In summary, the available evidence is currently insufficient to determine the role of this variant in disease. Therefore, it has been classified as a Variant of Uncertain Significance.

NM_024747.6(HPS6):c.1808C>G (p.Pro603Arg)

Gene: HPS6 (HPS6 biogenesis of lysosomal organelles complex 2 subunit 3; plus strand). Cytogenetic location: 10q24.32.
Variant type: single nucleotide variant.
Coding change: c.1808C>G on transcript NM_024747.6 (MANE Select); coding-DNA position 1808, C replaced by G.
Protein change: p.Pro603Arg; replaces proline 603 with arginine.
Molecular consequence: missense variant.
Genome position (GRCh38, 1-based): chr10:102,067,282, C>G. VCF-style: chr10-102067282-C-G. GRCh37 (hg19) VCF-style: chr10-103827039-C-G.
Other names: short protein forms P603R.
Identifiers: ClinVar variation 2100600 (VCV002100600.1), dbSNP rs1487798978, ClinGen allele CA377872416.